The following is an entry in ClinVar:

NM_152564.5(VPS13B):c.11501del (p.Met3834fs)

Gene: VPS13B (vacuolar protein sorting 13 homolog B; plus strand). Cytogenetic location: 8q22.2.
Variant type: Deletion.
Coding change: c.11501del on transcript NM_152564.5 (MANE Select); coding-DNA position 11501, one base deleted (T; older notation c.11501delT).
Protein change: p.Met3834fs; shifts the reading frame from methionine 3834.
Molecular consequence: frameshift variant.
Genome position (GRCh38, 1-based): chr8:99,871,453, T deleted. VCF-style (leftmost placement, unchanged base first): chr8-99871452-AT-A. GRCh37 (hg19) VCF-style: chr8-100883680-AT-A.
Other names: c.11576del, p.Met3859fs (NM_017890.5); c.11501delT (NM_152564.4); c.11576delT (NM_017890.4); short protein forms M3834fs, M3859fs.
Identifiers: ClinVar variation 557762 (VCV000557762.10), dbSNP rs1394681818, ClinGen allele CA583856606.

ClinVar aggregate classification (germline): Pathogenic/Likely pathogenic. Review status: criteria provided, multiple submitters, no conflicts (2 of 4 stars). 4 submissions from 4 submitters: Pathogenic (2); Likely pathogenic (1). 1 of the submissions does not count toward it. Last evaluated 2025-02-19.

Conditions:
Cohen syndrome (COH1). Also called: Cutis verticis gyrata, retinitis pigmentosa, and sensorineural deafness; PEPPER SYNDROME. Identifiers: Orphanet 193, MedGen C0265223, MONDO:0008999, OMIM 216550.
VPS13B-related disorder. Also called: VPS13B-related condition.

Allele frequency attached by ClinVar (database versions not stated): gnomAD exomes below 0.00001; TOPMed below 0.00001; gnomAD 0.00001.

Submissions (4):

Natera, Inc.
Classification: Likely pathogenic for Cohen syndrome. Last evaluated: 2025-02-19. Review status: criteria provided, single submitter. Criteria: Natera Variant Classification Schema (03/2026). Collection method: clinical testing. Allele origin: germline.
Comment: The c.11576delT variant in VPS13B is a frameshift variant predicted to shift the reading frame beginning at codon 3859 and leads to a stop codon 19 codons downstream. This variant is expected to result in nonsense mediated decay, truncation, or a dysfunctional protein product. This variant is rare in the general population with a frequency below the threshold expected for the associated phenotype(s). Given the available evidence, this variant is classified as Likely Pathogenic.

PreventionGenetics, part of Exact Sciences
Classification: Pathogenic for VPS13B-related condition. Last evaluated: 2024-10-18. Review status: criteria provided, single submitter. Criteria: ACMG Guidelines, 2015. Collection method: clinical testing. Allele origin: germline.
Comment: The VPS13B c.11501delT variant is predicted to result in a frameshift and premature protein termination (p.Met3834Serfs*19). To our knowledge, this variant has not been reported in the literature. This variant is reported in 0.00088% of alleles in individuals of European (Non-Finnish) descent in gnomAD and is reported as pathogenic/likely pathogenic in ClinVar. Frameshift variants in VPS13B are expected to be pathogenic. This variant is interpreted as pathogenic.

Labcorp Genetics (formerly Invitae), Labcorp
Classification: Pathogenic for Cohen syndrome. Last evaluated: 2023-09-28. Review status: criteria provided, single submitter. Criteria: Invitae Variant Classification Sherloc (09022015). Collection method: clinical testing. Allele origin: germline.
Comment: For these reasons, this variant has been classified as Pathogenic. ClinVar contains an entry for this variant (Variation ID: 557762). This variant has not been reported in the literature in individuals affected with VPS13B-related conditions. This variant is present in population databases (no rsID available, gnomAD 0.0009%). This sequence change creates a premature translational stop signal (p.Met3859Serfs*19) in the VPS13B gene. It is expected to result in an absent or disrupted protein product. Loss-of-function variants in VPS13B are known to be pathogenic (PMID: 15141358, 16648375, 20461111).

Counsyl
Classification: Likely pathogenic for Cohen syndrome. Last evaluated: 2018-04-11. Review status: no assertion criteria provided. Collection method: clinical testing. Allele origin: unknown. Not counted in ClinVar's aggregate classification.

Literature cited by the submitters: PubMed 15141358 (cited by Labcorp Genetics (formerly Invitae), Labcorp); PubMed 16648375 (cited by Labcorp Genetics (formerly Invitae), Labcorp); PubMed 20461111 (cited by Labcorp Genetics (formerly Invitae), Labcorp).